The following is an entry in ClinVar:

NM_000297.4(PKD2):c.2548dup (p.Glu850fs)

Gene: PKD2 (polycystin 2, transient receptor potential cation channel; plus strand). Cytogenetic location: 4q22.1.
Variant type: Duplication.
Coding change: c.2548dup on transcript NM_000297.4 (MANE Select); coding-DNA position 2548, one base duplicated (G; older notation c.2548dupG).
Protein change: p.Glu850fs; shifts the reading frame from glutamic acid 850.
Molecular consequence: frameshift variant. On other transcripts: non-coding transcript variant (1).
Genome position (GRCh38, 1-based): chr4:88,074,837, G duplicated; the last of 2 consecutive G bases (chr4:88,074,836-88,074,837); duplicating either gives the same sequence. VCF-style (leftmost placement, unchanged base first): chr4-88074835-T-TG. GRCh37 (hg19) VCF-style: chr4-88995987-T-TG.
Other names: short protein forms E850fs.
Identifiers: ClinVar variation 3042242 (VCV003042242.2), dbSNP rs2476008867, ClinGen allele CA2578140900.
Genomic context (GRCh38, chr4:88,074,835, plus strand): 5'-AAGCACTTTGTCCCTCTGTACTGTGTTTTCCTTGCAGCCTGGTGAGACGAGTGGACCGGA[T>TG]GGAGCATTCCATCGGCAGCATAGTGTCCAAGATTGACGCCGTGATCGTGAAGCTAGAGAT-3'

ClinVar aggregate classification (germline): Pathogenic (0 of 4 stars; one submission).

Conditions:
PKD2-related disorder. Also called: PKD2-related condition.

Submission:

PreventionGenetics, part of Exact Sciences
Classification: Pathogenic for PKD2-related condition. Last evaluated: 2024-03-07. Review status: no assertion criteria provided. Collection method: clinical testing. Allele origin: germline.
Comment: The PKD2 c.2548dupG variant is predicted to result in a frameshift and premature protein termination (p.Glu850Glyfs*12). To our knowledge, this variant has not been reported in the literature or in a large population database, indicating this variant is rare. Frameshift variants in PKD2 are expected to be pathogenic. This variant is interpreted as pathogenic.